The following is an entry in ClinVar:

ClinVar aggregate classification (germline): Uncertain significance (1 of 4 stars; one submission).

Allele frequency attached by ClinVar (database versions not stated): TOPMed 0.00002.
gnomAD v4.1: 4 of 1,603,378 alleles (0.00025%); highest among the groups gnomAD compares: Admixed American, 0.0017%; no homozygotes.

Submission:

Labcorp Genetics (formerly Invitae), Labcorp
Classification: Uncertain significance. Last evaluated: 2023-08-30. Review status: criteria provided, single submitter. Criteria: Invitae Variant Classification Sherloc (09022015). Collection method: clinical testing. Allele origin: germline.
Comment: This sequence change falls in intron 21 of the LAMC3 gene. It does not directly change the encoded amino acid sequence of the LAMC3 protein. It affects a nucleotide within the consensus splice site. This variant is not present in population databases (gnomAD no frequency). This variant has not been reported in the literature in individuals affected with LAMC3-related conditions. ClinVar contains an entry for this variant (Variation ID: 2112985). Variants that disrupt the consensus splice site are a relatively common cause of aberrant splicing (PMID: 17576681, 9536098). Algorithms developed to predict the effect of sequence changes on RNA splicing suggest that this variant is not likely to affect RNA splicing. In summary, the available evidence is currently insufficient to determine the role of this variant in disease. Therefore, it has been classified as a Variant of Uncertain Significance.

Literature cited by the submitters: PubMed 17576681; PubMed 9536098.

NM_006059.4(LAMC3):c.3629+6G>A

Gene: LAMC3 (laminin subunit gamma 3; plus strand). Cytogenetic location: 9q34.12.
Variant type: single nucleotide variant.
Coding change: c.3629+6G>A on transcript NM_006059.4 (MANE Select); 6 bases into the intron after coding-DNA position 3629, G replaced by A.
Molecular consequence: intron variant.
Genome position (GRCh38, 1-based): chr9:131,075,971, G>A. VCF-style: chr9-131075971-G-A. GRCh37 (hg19) VCF-style: chr9-133951358-G-A.
Identifiers: ClinVar variation 2112985 (VCV002112985.2), dbSNP rs1401642857, ClinGen allele CA590729422.